The following is an entry in ClinVar:

NM_007294.4(BRCA1):c.2119G>T (p.Gly707Cys)

Gene: BRCA1 (BRCA1 DNA repair associated; minus strand). Cytogenetic location: 17q21.31.
Variant type: single nucleotide variant.
Coding change: c.2119G>T on transcript NM_007294.4 (MANE Select); coding-DNA position 2119, G replaced by T.
Protein change: p.Gly707Cys; replaces glycine 707 with cysteine.
Molecular consequence: missense variant. On other transcripts: intron variant (137).
Genome position (GRCh38, 1-based): chr17:43,093,412, C>A on the plus strand (G>T on the coding strand, the complement: BRCA1 is on the minus strand). VCF-style: chr17-43093412-C-A. GRCh37 (hg19) VCF-style: chr17-41245429-C-A.
Other names: c.1906G>T, p.Gly636Cys (NM_001407571.1, NM_001407853.1, NM_001407894.1 and 9 more transcripts); c.2119G>T, p.Gly707Cys (NM_001407581.1, NM_001407582.1, NM_001407583.1 and 30 more transcripts); c.2116G>T, p.Gly706Cys (NM_001407587.1, NM_001407590.1, NM_001407591.1 and 22 more transcripts); c.2110G>T, p.Gly704Cys (NM_001407646.1, NM_001407647.1); c.1996G>T, p.Gly666Cys (NM_001407648.1, NM_001407664.1, NM_001407665.1 and 19 more transcripts); c.1993G>T, p.Gly665Cys (NM_001407649.1, NM_001407670.1, NM_001407671.1 and 11 more transcripts); c.2041G>T, p.Gly681Cys (NM_001407653.1, NM_001407654.1, NM_001407655.1 and 4 more transcripts); c.2038G>T, p.Gly680Cys (NM_001407659.1, NM_001407660.1, NM_001407661.1 and 1 more transcripts); and 41 more; short protein forms G619C, G539C, G595C, G618C, G666C, G706C, G579C, G596C.
Identifiers: ClinVar variation 1786208 (VCV001786208.4), dbSNP rs587781420, ClinGen allele CA10597764.
Genomic context (GRCh38, chr17:43,093,412, plus strand): 5'-GAAGGCTAGGATTGACAAATTCTTTAAGTTCACTGGTATTTGAACACTTAGTAAAAGAAC[C>A]AGGTGCATTTGTTAACTTCAGCTCTGGGAAAGTATCGCTGTCATGTCTTTTACTTGTCTG-3'
Protein context (NP_009225.1, residues 697-717): FPELKLTNAP[Gly707Cys]SFTKCSNTSE

ClinVar aggregate classification (germline): Conflicting classifications of pathogenicity. Review status: criteria provided, conflicting classifications (1 of 4 stars). 2 submissions from 2 submitters: Uncertain significance (1); Likely benign (1). Last evaluated 2023-03-23.

Conditions:
Hereditary cancer-predisposing syndrome. Also called: Neoplastic Syndromes, Hereditary; Tumor predisposition; Hereditary Cancer Syndrome; Hereditary neoplastic syndrome. Identifiers: Orphanet 140162, MedGen C0027672, MeSH D009386, MONDO:0015356.

Submissions (2):

University of Washington Department of Laboratory Medicine, University of Washington
Classification: Likely benign for Hereditary cancer-predisposing syndrome. Last evaluated: 2023-03-23. Review status: criteria provided, single submitter. Criteria: Dines et al. (Genet Med. 2020). Collection method: curation. Allele origin: germline.
Comment: Missense variant in a coldspot region where missense variants are very unlikely to be pathogenic (PMID:31911673).

BRCA1 coldspot (exon 11 using historical exon numbering). Reclassification based on statistical prior probability

Ambry Genetics
Classification: Uncertain significance for Hereditary cancer-predisposing syndrome. Last evaluated: 2021-06-22. Review status: criteria provided, single submitter. Criteria: Ambry Variant Classification Scheme 2023. Collection method: clinical testing. Allele origin: germline.
Comment: The p.G707C variant (also known as c.2119G>T), located in coding exon 9 of the BRCA1 gene, results from a G to T substitution at nucleotide position 2119. The glycine at codon 707 is replaced by cysteine, an amino acid with highly dissimilar properties. This amino acid position is not well conserved in available vertebrate species. In addition, the in silico prediction for this alteration is inconclusive. Since supporting evidence is limited at this time, the clinical significance of this alteration remains unclear.